The following is an entry in ClinVar:

NM_001967.4(EIF4A2):c.119del (p.Asn39_Leu40insTer)

Gene: EIF4A2 (eukaryotic translation initiation factor 4A2; plus strand). Cytogenetic location: 3q27.3.
Variant type: Deletion.
Coding change: c.119del on transcript NM_001967.4 (MANE Select); coding-DNA position 119, one base deleted (T; older notation c.119delT).
Protein change: p.Asn39_Leu40insTer.
Molecular consequence: nonsense.
Genome position (GRCh38, 1-based): chr3:186,784,607, T deleted; the last of 3 consecutive T bases (chr3:186,784,605-186,784,607); deleting any one gives the same sequence. VCF-style (leftmost placement, unchanged base first): chr3-186784604-AT-A. GRCh37 (hg19) VCF-style: chr3-186502393-AT-A.
Identifiers: ClinVar variation 3384518 (VCV003384518.1).

ClinVar aggregate classification (germline): Uncertain significance (1 of 4 stars; one submission).

Submission:

GeneDx
Classification: Uncertain significance. Last evaluated: 2024-06-07. Review status: criteria provided, single submitter. Criteria: GeneDx Variant Classification Process June 2021. Collection method: clinical testing. Allele origin: germline. Affected: yes.
Comment: Not observed at significant frequency in large population cohorts (gnomAD); Nonsense variant predicted to result in protein truncation or nonsense mediated decay in a gene or region of a gene for which loss of function is not a well-established mechanism of disease; Has not been previously published as pathogenic or benign to our knowledge